The following is an entry in ClinVar:

ClinVar aggregate classification (germline): Pathogenic (1 of 4 stars; one submission).

Conditions:
Glycogen storage disease due to muscle and heart glycogen synthase deficiency. Also called: MUSCLE GLYCOGEN SYNTHASE DEFICIENCY; GSD 0b. Identifiers: Orphanet 137625, MedGen C1969054, MONDO:0012693, OMIM 611556.

Allele frequency attached by ClinVar (database versions not stated): gnomAD exomes below 0.00001.
gnomAD v4.1: 1 of 1,614,238 alleles (0.000062%); highest among the groups gnomAD compares: South Asian, 0.0011%; no homozygotes.

Submission:

Labcorp Genetics (formerly Invitae), Labcorp
Classification: Pathogenic for Glycogen storage disease due to muscle and heart glycogen synthase deficiency. Last evaluated: 2021-09-15. Review status: criteria provided, single submitter. Criteria: Invitae Variant Classification Sherloc (09022015). Collection method: clinical testing. Allele origin: germline.
Comment: For these reasons, this variant has been classified as Pathogenic. This variant has not been reported in the literature in individuals affected with GYS1-related conditions. This variant is not present in population databases (ExAC no frequency). This sequence change creates a premature translational stop signal (p.Trp182*) in the GYS1 gene. It is expected to result in an absent or disrupted protein product. Loss-of-function variants in GYS1 are known to be pathogenic (PMID: 17928598, 19699667).

Literature cited by the submitters: PubMed 17928598; PubMed 19699667.

NM_002103.5(GYS1):c.546G>A (p.Trp182Ter)

Gene: GYS1 (glycogen synthase 1; minus strand). Cytogenetic location: 19q13.33.
Variant type: single nucleotide variant.
Coding change: c.546G>A on transcript NM_002103.5 (MANE Select); coding-DNA position 546, G replaced by A.
Protein change: p.Trp182Ter; replaces tryptophan 182 with a stop codon.
Molecular consequence: nonsense. On other transcripts: non-coding transcript variant (1).
Genome position (GRCh38, 1-based): chr19:48,985,982, C>T on the plus strand (G>A on the coding strand, the complement: GYS1 is on the minus strand). VCF-style: chr19-48985982-C-T. GRCh37 (hg19) VCF-style: chr19-49489239-C-T.
Other names: c.354G>A, p.Trp118Ter (NM_001161587.2); short protein forms W118*, W182*.
Identifiers: ClinVar variation 1430475 (VCV001430475.6), dbSNP rs1225603414, ClinGen allele CA406765382.